The following is an entry in ClinVar:

NM_052845.4(MMAB):c.*1535G>A

Gene: MMAB (metabolism of cobalamin associated B; minus strand). Cytogenetic location: 12q24.11.
Variant type: single nucleotide variant.
Coding change: c.*1535G>A on transcript NM_052845.4 (MANE Select); 1535 bases downstream of the stop codon, G replaced by A.
Molecular consequence: 3 prime UTR variant. On other transcripts: non-coding transcript variant (1).
Genome position (GRCh38, 1-based): chr12:109,555,493, C>T on the plus strand (G>A on the coding strand, the complement: MMAB is on the minus strand). VCF-style: chr12-109555493-C-T. GRCh37 (hg19) VCF-style: chr12-109993298-C-T.
Identifiers: ClinVar variation 307035 (VCV000307035.6), dbSNP rs34921355, ClinGen allele CA6778621.

ClinVar aggregate classification (germline): Benign. Review status: criteria provided, multiple submitters, no conflicts (2 of 4 stars). 2 submissions from 2 submitters: Benign (2). Last evaluated 2018-01-13.

Conditions:
Methylmalonic aciduria, cblB type (MACB). Also called: Vitamin B12-responsive methylmalonic acidemia type cblB; METHYLMALONIC ACIDURIA, VITAMIN B12-RESPONSIVE, DUE TO DEFECT IN SYNTHESIS OF ADENOSYLCOBALAMIN, cblB TYPE; Methylmalonic acidemia cblB type. Identifiers: Orphanet 28, Orphanet 79311, MedGen C1855102, MONDO:0009614, OMIM 251110.

Allele frequency attached by ClinVar (database versions not stated): gnomAD 0.17160 and 0.16988; gnomAD exomes 0.15818 and 0.15961; TOPMed 0.17635; ExAC 0.14844; 1000 Genomes Project 30x 0.16880; 1000 Genomes Project 0.16114.
gnomAD v4.1: 64,682 of 397,566 alleles (16%); highest among the groups gnomAD compares: African/African-American, 19%; 5,569 homozygotes.

Submissions (2):

Illumina Laboratory Services, Illumina
Classification: Benign for Methylmalonic aciduria, cblB type. Last evaluated: 2018-01-13. Review status: criteria provided, single submitter. Criteria: ICSL Variant Classification Criteria 13 December 2019. Collection method: clinical testing. Allele origin: germline.
Comment: This variant was observed in the ICSL laboratory as part of a predisposition screen in an ostensibly healthy population. It had not been previously curated by ICSL or reported in the Human Gene Mutation Database (HGMD: prior to June 1st, 2018), and was therefore a candidate for classification through an automated scoring system. Utilizing variant allele frequency, disease prevalence and penetrance estimates, and inheritance mode, an automated score was calculated to assess if this variant is too frequent to cause the disease. Based on the score and internal cut-off values, a variant classified as benign is not then subjected to further curation. The score for this variant resulted in a classification of benign for this disease.

Breakthrough Genomics
Classification: Benign. Review status: criteria provided, single submitter. Criteria: ACMG Guidelines, 2015. Collection method: not provided. Allele origin: germline. Inheritance: Autosomal recessive inheritance. Affected: yes.